The following is an entry in ClinVar:

NM_004006.3(DMD):c.1952G>A (p.Trp651Ter)

Gene: DMD (dystrophin; minus strand). Cytogenetic location: Xp21.1.
Variant type: single nucleotide variant.
Coding change: c.1952G>A on transcript NM_004006.3 (MANE Select); coding-DNA position 1952, G replaced by A.
Protein change: p.Trp651Ter; replaces tryptophan 651 with a stop codon.
Molecular consequence: nonsense.
Genome position (GRCh38, 1-based): chrX:32,565,742, C>T on the plus strand (G>A on the coding strand, the complement: DMD is on the minus strand). VCF-style: chrX-32565742-C-T. GRCh37 (hg19) VCF-style: chrX-32583859-C-T.
Other names: NP_003997.1:p.Trp651*; c.1928G>A, p.Trp643Ter (NM_000109.4); c.1940G>A, p.Trp647Ter (NM_004009.3); c.1583G>A, p.Trp528Ter (NM_004010.3); short protein forms W651*, W528*, W647*, W643*.
Identifiers: ClinVar variation 11249 (VCV000011249.11), dbSNP rs128626242, ClinGen allele CA273100.
Genomic context (GRCh38, chrX:32,565,742, plus strand): 5'-TGATAATTGGTATCACTAACCTGTGCTGTACTCTTTTCAAGTTTTTGGACTAAATTATCC[C>T]AACACCGGGCAAAGTTATCCAGCCATGCTTCCGTCTTCTGGGTCACTGACTTATTCTTCA-3'

ClinVar aggregate classification (germline): Pathogenic. Review status: criteria provided, single submitter (1 of 4 stars). 2 submissions from 2 submitters: Pathogenic (1). 1 of the submissions does not count toward it. Last evaluated 2022-02-04.

Conditions:
Duchenne muscular dystrophy (DMD). Also called: MUSCULAR DYSTROPHY, PSEUDOHYPERTROPHIC PROGRESSIVE, DUCHENNE TYPE; Duchenne Muscular Dystrophy (DMD). Identifiers: Orphanet 98896, MedGen C0013264, MONDO:0010679, OMIM 310200.

Submissions (2):

Labcorp Genetics (formerly Invitae), Labcorp
Classification: Pathogenic for Duchenne muscular dystrophy. Last evaluated: 2022-02-04. Review status: criteria provided, single submitter. Criteria: Invitae Variant Classification Sherloc (09022015). Collection method: clinical testing. Allele origin: germline.
Comment: For these reasons, this variant has been classified as Pathogenic. Algorithms developed to predict the effect of sequence changes on RNA splicing suggest that this variant may create or strengthen a splice site. ClinVar contains an entry for this variant (Variation ID: 11249). This premature translational stop signal has been observed in individual(s) with Duchenne muscular dystrophy (PMID: 7951253). This variant is not present in population databases (gnomAD no frequency). This sequence change creates a premature translational stop signal (p.Trp651*) in the DMD gene. It is expected to result in an absent or disrupted protein product. Loss-of-function variants in DMD are known to be pathogenic (PMID: 16770791, 25007885).

OMIM
Classification: Pathogenic for DUCHENNE MUSCULAR DYSTROPHY. Last evaluated: 1994-01-01. Review status: no assertion criteria provided. Collection method: literature only. Allele origin: germline. Not counted in ClinVar's aggregate classification.

Literature cited by the submitters: PubMed 7951253 (cited by Labcorp Genetics (formerly Invitae), Labcorp and OMIM); PubMed 16770791 (cited by Labcorp Genetics (formerly Invitae), Labcorp); PubMed 25007885 (cited by Labcorp Genetics (formerly Invitae), Labcorp).